The following is an entry in ClinVar:

NC_000009.11:g.(?_214977)_(336738_?)dup

Genes: DOCK8 (dedicator of cytokinesis 8; plus strand), DOCK8-AS1 (DOCK8 antisense RNA 1; minus strand). Cytogenetic location: 9p24.3.
Variant type: Duplication.
Identifiers: ClinVar variation 2427707 (VCV002427707.3).

ClinVar aggregate classification (germline): Uncertain significance (1 of 4 stars; one submission).

Conditions:
Hyper-IgE recurrent infection syndrome 3, autosomal recessive. Also called: Autosomal recessive hyper-IgE syndrome due to ZNF341 deficiency; HYPER-IgE SYNDROME 3, AUTOSOMAL RECESSIVE, WITH RECURRENT INFECTIONS. Identifiers: Orphanet 641368, MedGen C4748969, MONDO:0032654, OMIM 618282.

Submission:

Labcorp Genetics (formerly Invitae), Labcorp
Classification: Uncertain significance for Combined immunodeficiency due to DOCK8 deficiency. Last evaluated: 2023-11-06. Review status: criteria provided, single submitter. Criteria: Invitae Variant Classification Sherloc (09022015). Collection method: clinical testing. Allele origin: germline.
Comment: This variant results in a copy number gain of the genomic region encompassing exon(s) 1-12 of the DOCK8 gene. This region includes the initiator codon of the gene. This copy number gain extends beyond the assayed region for this gene and therefore may encompass additional genes. As the precise location of this event is unknown, it may be in tandem or it may be located elsewhere in the genome. This variant has not been reported in the literature in individuals affected with DOCK8-related conditions. In summary, the available evidence is currently insufficient to determine the role of this variant in disease. Therefore, it has been classified as a Variant of Uncertain Significance.